The following is an entry in ClinVar:

ClinVar aggregate classification (germline): Uncertain significance. Review status: criteria provided, multiple submitters, no conflicts (2 of 4 stars). 2 submissions from 2 submitters: Uncertain significance (2). Last evaluated 2026-07-26.

Conditions:
Autism spectrum disorder. Also called: Autism spectrum disorders. Identifiers: MedGen C1510586, MeSH D000067877, MONDO:0005258.

Submissions (2):

GeneDx
Classification: Uncertain significance. Last evaluated: 2026-07-26. Review status: criteria provided, single submitter. Criteria: GeneDx Variant Classification Process June 2021. Collection method: clinical testing. Allele origin: germline.
Comment: Not observed at significant frequency in large population cohorts (gnomAD); In silico analysis supports that this missense variant has a deleterious effect on protein structure/function; Has not been previously published as pathogenic or benign to our knowledge

Department of Genetics, Rouen University Hospital, Normandy Center for Genomic and Personalized Medicine
Classification: Uncertain significance for Autism spectrum disorder. Last evaluated: 2021-08-16. Review status: criteria provided, single submitter. Criteria: ACMG Guidelines, 2015. Collection method: clinical testing. Allele origin: maternal. Affected: yes.

NM_006924.5(SRSF1):c.70C>T (p.Pro24Ser)

Gene: SRSF1 (serine and arginine rich splicing factor 1; minus strand). Cytogenetic location: 17q22.
Variant type: single nucleotide variant.
Coding change: c.70C>T on transcript NM_006924.5 (MANE Select); coding-DNA position 70, C replaced by T.
Protein change: p.Pro24Ser; replaces proline 24 with serine.
Molecular consequence: missense variant. On other transcripts: non-coding transcript variant (1).
Genome position (GRCh38, 1-based): chr17:58,007,068, G>A on the plus strand (C>T on the coding strand, the complement: SRSF1 is on the minus strand). VCF-style: chr17-58007068-G-A. GRCh37 (hg19) VCF-style: chr17-56084429-G-A.
Other names: c.70C>T, p.Pro24Ser (NM_001078166.2); c.70C>T (NM_001078166.1); short protein forms P24S.
Identifiers: ClinVar variation 2429912 (VCV002429912.4), dbSNP rs2509290529, ClinGen allele CA399946907.